The following is an entry in ClinVar:

NM_001366722.1(GRIP1):c.127_128del (p.Ser43fs)

Gene: GRIP1 (glutamate receptor interacting protein 1; minus strand). Cytogenetic location: 12q14.3.
Variant type: Microsatellite.
Coding change: c.127_128del on transcript NM_001366722.1 (MANE Select); coding-DNA positions 127 to 128, 2 bases deleted (AG; older notation c.127_128delAG).
Protein change: p.Ser43fs; shifts the reading frame from serine 43.
Molecular consequence: frameshift variant.
Genome position (GRCh38, 1-based): chr12:66,596,855-66,596,856, CT deleted on the plus strand (AG on the coding strand, the reverse complement: GRIP1 is on the minus strand); deleting any 2 consecutive bases within chr12:66,596,855-66,596,858 gives the same sequence; the c. name uses the placement nearest the transcript's 3' end. VCF-style (leftmost placement, unchanged base first): chr12-66596854-GCT-G. GRCh37 (hg19) VCF-style: chr12-66990634-GCT-G.
Other names: c.127_128del, p.Ser43fs (NM_001178074.2, NM_001379346.1, NM_021150.4); c.205_206del, p.Ser69fs (NM_001366723.1, NM_001366724.1, NM_001379345.1 and 2 more transcripts); c.130_131del, p.Ser44fs (NM_001379349.1, NM_001379351.1, NM_001439322.1 and 1 more transcripts); short protein forms S43fs, S44fs, S69fs.
Identifiers: ClinVar variation 5015735 (VCV005015735.1).

ClinVar aggregate classification (germline): Pathogenic (1 of 4 stars; one submission).

Conditions:
Fraser syndrome 3. Identifiers: MedGen C4540040, MONDO:0054739, OMIM 617667.

Submission:

Myriad Genetics, Inc.
Classification: Pathogenic for Fraser syndrome 3. Last evaluated: 2026-03-26. Review status: criteria provided, single submitter. Criteria: Myriad Autosomal Dominant, Autosomal Recessive and X-Linked Classification Criteria (2023). Collection method: clinical testing. Allele origin: unknown.
Comment: NM_021150.3(GRIP1):c.127_128delAG(S43Hfs*30) is expected to be pathogenic in the context of Fraser syndrome, GRIP1-related. This variant is predicted to lead to an abnormal or absent protein product due to the creation of a premature termination codon in GRIP1, a gene where loss-of-function variants are known to be pathogenic. Please note: this variant was assessed in the context of healthy population screening.